The following is an entry in ClinVar:

NM_005732.4(RAD50):c.1970C>A (p.Ala657Asp)

Gene: RAD50 (RAD50 double strand break repair protein; plus strand). Cytogenetic location: 5q31.1.
Variant type: single nucleotide variant.
Coding change: c.1970C>A on transcript NM_005732.4 (MANE Select); coding-DNA position 1970, C replaced by A.
Protein change: p.Ala657Asp; replaces alanine 657 with aspartic acid.
Molecular consequence: missense variant.
Genome position (GRCh38, 1-based): chr5:132,595,573, C>A. VCF-style: chr5-132595573-C-A. GRCh37 (hg19) VCF-style: chr5-131931265-C-A.
Other names: c.1970C>A (NM_005732.3); short protein forms A657D.
Identifiers: ClinVar variation 1390324 (VCV001390324.7), dbSNP rs1750775187, ClinGen allele CA360949148.

ClinVar aggregate classification (germline): Uncertain significance. Review status: criteria provided, multiple submitters, no conflicts (2 of 4 stars). 2 submissions from 2 submitters: Uncertain significance (2). Last evaluated 2025-11-18.

Conditions:
Hereditary cancer-predisposing syndrome. Also called: Neoplastic Syndromes, Hereditary; Tumor predisposition; Hereditary neoplastic syndrome; Hereditary Cancer Syndrome. Identifiers: Orphanet 140162, MedGen C0027672, MeSH D009386, MONDO:0015356.

Submissions (2):

Ambry Genetics
Classification: Uncertain significance for Hereditary cancer-predisposing syndrome. Last evaluated: 2025-11-18. Review status: criteria provided, single submitter. Criteria: Ambry Variant Classification Scheme 2023. Collection method: clinical testing. Allele origin: germline.
Comment: The p.A657D variant (also known as c.1970C>A) is located in coding exon 13 of the RAD50 gene. The alanine at codon 657 is replaced by aspartic acid, an amino acid with dissimilar properties. This change occurs in the first base pair of coding exon 13. This amino acid position is conserved. In addition, this alteration is predicted to be deleterious by in silico analysis. Based on the available evidence, the clinical significance of this variant remains unclear.

Labcorp Genetics (formerly Invitae), Labcorp
Classification: Uncertain significance for Hereditary cancer-predisposing syndrome. Last evaluated: 2021-10-31. Review status: criteria provided, single submitter. Criteria: Invitae Variant Classification Sherloc (09022015). Collection method: clinical testing. Allele origin: germline.
Comment: In summary, the available evidence is currently insufficient to determine the role of this variant in disease. Therefore, it has been classified as a Variant of Uncertain Significance. Algorithms developed to predict the effect of missense changes on protein structure and function are either unavailable or do not agree on the potential impact of this missense change (SIFT: "Deleterious"; PolyPhen-2: "Probably Damaging"; Align-GVGD: "Class C0"). This variant has not been reported in the literature in individuals affected with RAD50-related conditions. This variant is not present in population databases (gnomAD no frequency). This sequence change replaces alanine, which is neutral and non-polar, with aspartic acid, which is acidic and polar, at codon 657 of the RAD50 protein (p.Ala657Asp).